The following is an entry in ClinVar:

ClinVar aggregate classification (germline): Pathogenic (1 of 4 stars; one submission).

Conditions:
LAMA2-related muscular dystrophy (LAMA2-RD). Also called: Laminin alpha 2-related dystrophy. Identifiers: MedGen C5679788, MONDO:0100228.

Submission:

Labcorp Genetics (formerly Invitae), Labcorp
Classification: Pathogenic for LAMA2-related muscular dystrophy. Last evaluated: 2023-03-01. Review status: criteria provided, single submitter. Criteria: Invitae Variant Classification Sherloc (09022015). Collection method: clinical testing. Allele origin: germline.
Comment: This variant disrupts a region of the LAMA2 protein in which other variant(s) (p.Thr3080Asnfs*26) have been determined to be pathogenic (PMID: 20207543). This suggests that this is a clinically significant region of the protein, and that variants that disrupt it are likely to be disease-causing. For these reasons, this variant has been classified as Pathogenic. This variant has not been reported in the literature in individuals affected with LAMA2-related conditions. This variant is not present in population databases (gnomAD no frequency). This sequence change creates a premature translational stop signal (p.Leu3039Profs*40) in the LAMA2 gene. While this is not anticipated to result in nonsense mediated decay, it is expected to disrupt the last 84 amino acid(s) of the LAMA2 protein.

Literature cited by the submitters: PubMed 20207543.

NM_000426.4(LAMA2):c.9116del (p.Leu3039fs)

Gene: LAMA2 (laminin subunit alpha 2; plus strand). Cytogenetic location: 6q22.33.
Variant type: Deletion.
Coding change: c.9116del on transcript NM_000426.4 (MANE Select); coding-DNA position 9116, one base deleted (T; older notation c.9116delT).
Protein change: p.Leu3039fs; shifts the reading frame from leucine 3039.
Molecular consequence: frameshift variant.
Genome position (GRCh38, 1-based): chr6:129,514,500, T deleted. VCF-style (leftmost placement, unchanged base first): chr6-129514499-CT-C. GRCh37 (hg19) VCF-style: chr6-129835644-CT-C.
Other names: c.9104del, p.Leu3035fs (NM_001079823.2); short protein forms L3035fs, L3039fs.
Identifiers: ClinVar variation 2821076 (VCV002821076.3), dbSNP rs2533599407, ClinGen allele CA2739266132.
Genomic context (GRCh38, chr6:129,514,499, plus strand): 5'-CATTTGTGTGATGGACAATGGCATAAAGTCACTGCCAACAAGATCAAACACCGCATTGAG[CT>C]CACAGTCGATGGGAACCAGGTGGAAGCCCAAAGCCCAAACCCAGCATCTACATCAGCTGA-3'